The following is an entry in ClinVar:

ClinVar aggregate classification (germline): Benign. Review status: reviewed by expert panel (3 of 4 stars). 2 submissions from 2 submitters: Benign (1). 1 of the submissions does not count toward it. Last evaluated 2015-01-12.

Conditions:
Breast-ovarian cancer, familial, susceptibility to, 1 (BROVCA1). Also called: BRCA1 Hereditary Breast and Ovarian Cancer; OVARIAN CANCER, SUSCEPTIBILITY TO. Identifiers: Orphanet 145, MedGen C2676676, MONDO:0011450, OMIM 604370. Disease mechanism: loss of function.

Allele frequency attached by ClinVar (database versions not stated): gnomAD 0.49050; TOPMed 0.50127; 1000 Genomes Project 0.54812; 1000 Genomes Project 30x 0.55325.
gnomAD v4.1: 73,255 of 148,328 alleles (49%); highest among the groups gnomAD compares: African/African-American, 82%; 21,227 homozygotes.

Submissions (2):

Evidence-based Network for the Interpretation of Germline Mutant Alleles (ENIGMA)
Classification: Benign for Breast-ovarian cancer, familial 1. Last evaluated: 2015-01-12. Review status: reviewed by expert panel. Criteria: ENIGMA BRCA1/2 Classification Criteria (2015). Collection method: curation. Allele origin: germline.
Comment: Class 1 not pathogenic based on frequency >1% in an outbred sampleset. Frequency 0.3304 (Asian), 0.1341 (African), 0.3654 (European), derived from 1000 genomes (2012-04-30).

Breakthrough Genomics
Classification: Benign. Review status: criteria provided, single submitter. Criteria: ACMG Guidelines, 2015. Collection method: not provided. Allele origin: germline. Inheritance: Autosomal recessive inheritance. Affected: yes. Not counted in ClinVar's aggregate classification.

NM_007294.4(BRCA1):c.547+869A>G

Gene: BRCA1 (BRCA1 DNA repair associated; minus strand). Cytogenetic location: 17q21.31.
Variant type: single nucleotide variant.
Coding change: c.547+869A>G on transcript NM_007294.4 (MANE Select); 869 bases into the intron after coding-DNA position 547, A replaced by G.
Molecular consequence: intron variant.
Genome position (GRCh38, 1-based): chr17:43,098,906, T>C on the plus strand (A>G on the coding strand, the complement: BRCA1 is on the minus strand). VCF-style: chr17-43098906-T-C. GRCh37 (hg19) VCF-style: chr17-41250923-T-C.
Other names: IVS 8+869A>G; c.166+869A>G (NM_001407963.1, NM_001407960.1, NM_001407965.1 and 3 more transcripts); c.403+869A>G (NM_001408511.1, NM_001408505.1, NM_001407964.1 and 35 more transcripts); c.406+869A>G (NM_001408457.1, NM_001407692.1, NM_001407935.1 and 61 more transcripts); c.334+869A>G (NM_001407899.1, NM_001407958.1, NM_001407955.1 and 18 more transcripts); c.337+869A>G (NM_001408507.1, NM_001408502.1, NM_001407951.1 and 37 more transcripts); c.544+869A>G (NM_001408495.1, NM_001408448.1, NM_001408421.1 and 65 more transcripts); c.547+869A>G (NM_001408427.1, NM_001407668.1, NM_001407622.1 and 96 more transcripts); and 6 more.
Identifiers: ClinVar variation 209460 (VCV000209460.3), dbSNP rs799919, ClinGen allele CA276430.